The following is an entry in ClinVar:

NM_000179.3(MSH6):c.3752_3758delinsTG (p.Ser1251fs)

Gene: MSH6 (mutS homolog 6; plus strand). Cytogenetic location: 2p16.3.
Variant type: Indel.
Coding change: c.3752_3758delinsTG on transcript NM_000179.3 (MANE Select); coding-DNA positions 3752 to 3758, CATTAGT replaced by TG.
Protein change: p.Ser1251fs; shifts the reading frame from serine 1251.
Molecular consequence: frameshift variant.
Genome position (GRCh38, 1-based): chr2:47,806,309-47,806,315, CATTAGT replaced by TG. VCF-style: chr2-47806309-CATTAGT-TG. GRCh37 (hg19) VCF-style: chr2-48033448-CATTAGT-TG.
Other names: c.3362_3368delinsTG, p.Ser1121fs (NM_001281492.2); c.2846_2852delinsTG, p.Ser949fs (NM_001281493.2, NM_001281494.2); c.3848_3854delCATTAGTinsTG, p.Ser1283Leufs (NM_001406795.1, NM_001406802.1); c.3752_3758delCATTAGTinsTG, p.Ser1251Leufs (NM_001406796.1, NM_001406800.1, NM_001406808.1 and 1 more transcripts); c.3455_3461delCATTAGTinsTG, p.Ser1152Leufs (NM_001406797.1, NM_001406801.1, NM_001406805.1 and 10 more transcripts); c.3578_3584delCATTAGTinsTG, p.Ser1193Leufs (NM_001406798.1); c.3227_3233delCATTAGTinsTG, p.Ser1076Leufs (NM_001406799.1, NM_001406806.1, NM_001406807.1); c.2888_2894delCATTAGTinsTG, p.Ser963Leufs (NM_001406803.1); and 8 more; short protein forms S949fs, S1121fs, S1251fs.
Identifiers: ClinVar variation 1734570 (VCV001734570.2), dbSNP rs2530845854, ClinGen allele CA2580067317.

ClinVar aggregate classification (germline): Pathogenic (1 of 4 stars; one submission).

Conditions:
Hereditary cancer-predisposing syndrome. Also called: Neoplastic Syndromes, Hereditary; Tumor predisposition; Hereditary Cancer Syndrome; Hereditary neoplastic syndrome. Identifiers: Orphanet 140162, MedGen C0027672, MeSH D009386, MONDO:0015356.

Submission:

Ambry Genetics
Classification: Pathogenic for Hereditary cancer-predisposing syndrome. Last evaluated: 2017-12-23. Review status: criteria provided, single submitter. Criteria: Ambry Variant Classification Scheme 2023. Collection method: clinical testing. Allele origin: germline.
Comment: The c.3752_3758delCATTAGTinsTG pathogenic mutation, located in coding exon 8 of the MSH6 gene, results from the deletion of 7 nucleotides and insertion of two nucleotides causing a translational frameshift with a predicted alternate stop codon (p.S1251Lfs*22). This alteration is expected to result in loss of function by premature protein truncation or nonsense-mediated mRNA decay. As such, this alteration is interpreted as a disease-causing mutation.